The following is an entry in ClinVar:

ClinVar aggregate classification (germline): Uncertain significance. Review status: criteria provided, multiple submitters, no conflicts (2 of 4 stars). 2 submissions from 2 submitters: Uncertain significance (2). Last evaluated 2026-04-30.

Conditions:
AGRN-related disorder. Also called: AGRN-related condition.
Congenital myasthenic syndrome 8. Also called: Myasthenic syndrome, congenital, 8, with pre- and postsynaptic defects; MYASTHENIC SYNDROME, CONGENITAL, DUE TO AGRIN DEFICIENCY. Identifiers: Orphanet 590, MedGen C3808739, MONDO:0014052, OMIM 615120.

gnomAD v4.1: 9 of 1,612,856 alleles (0.00056%); highest among the groups gnomAD compares: South Asian, 0.0088%; no homozygotes.

Submissions (2):

PreventionGenetics, part of Exact Sciences
Classification: Uncertain significance for AGRN-related condition. Last evaluated: 2026-04-30. Review status: criteria provided, single submitter. Criteria: ACMG Guidelines, 2015. Collection method: clinical testing. Allele origin: germline.
Comment: The AGRN c.2480A>G variant is predicted to result in the amino acid substitution p.Glu827Gly. To our knowledge, this variant has not been reported in the literature. This variant is reported in 0.0098% of alleles in individuals of South Asian descent in gnomAD. At this time, the clinical significance of this variant is uncertain due to the absence of conclusive functional and genetic evidence.

Labcorp Genetics (formerly Invitae), Labcorp
Classification: Uncertain significance for Congenital myasthenic syndrome 8. Last evaluated: 2026-01-19. Review status: criteria provided, single submitter. Criteria: Invitae Variant Classification Sherloc (09022015). Collection method: clinical testing. Allele origin: germline.
Comment: This sequence change replaces glutamic acid, which is acidic and polar, with glycine, which is neutral and non-polar, at codon 827 of the AGRN protein (p.Glu827Gly). This variant is present in population databases (rs768185421, gnomAD 0.01%). This variant has not been reported in the literature in individuals affected with AGRN-related conditions. An algorithm developed to predict the effect of missense changes on protein structure and function (PolyPhen-2) suggests that this variant is likely to be disruptive. In summary, the available evidence is currently insufficient to determine the role of this variant in disease. Therefore, it has been classified as a Variant of Uncertain Significance.

NM_198576.4(AGRN):c.2480A>G (p.Glu827Gly)

Gene: AGRN (agrin; plus strand). Cytogenetic location: 1p36.33.
Variant type: single nucleotide variant.
Coding change: c.2480A>G on transcript NM_198576.4 (MANE Select); coding-DNA position 2480, A replaced by G.
Protein change: p.Glu827Gly; replaces glutamic acid 827 with glycine.
Molecular consequence: missense variant.
Genome position (GRCh38, 1-based): chr1:1,045,467, A>G. VCF-style: chr1-1045467-A-G. GRCh37 (hg19) VCF-style: chr1-980847-A-G.
Other names: c.2480A>G, p.Glu827Gly (NM_001305275.2); c.2165A>G, p.Glu722Gly (NM_001364727.2); c.2480A>G (NM_198576.3); short protein forms E722G, E827G.
Identifiers: ClinVar variation 4747600 (VCV004747600.2).